The following is an entry in ClinVar:

ClinVar aggregate classification (germline): Uncertain significance (1 of 4 stars; one submission).

Conditions:
Cardiovascular phenotype. Identifiers: MedGen CN230736.

Allele frequency attached by ClinVar (database versions not stated): gnomAD exomes below 0.00001.

Submission:

Ambry Genetics
Classification: Uncertain significance for Cardiovascular phenotype. Last evaluated: 2022-05-24. Review status: criteria provided, single submitter. Criteria: Ambry Variant Classification Scheme 2023. Collection method: clinical testing. Allele origin: germline.
Comment: The p.M1587T variant (also known as c.4760T>C), located in coding exon 26 of the APOB gene, results from a T to C substitution at nucleotide position 4760. The methionine at codon 1587 is replaced by threonine, an amino acid with similar properties. This amino acid position is conserved. In addition, this alteration is predicted to be tolerated by in silico analysis. Since supporting evidence is limited at this time, the clinical significance of this alteration remains unclear.

NM_000384.3(APOB):c.4760T>C (p.Met1587Thr)

Gene: APOB (apolipoprotein B; minus strand). Cytogenetic location: 2p24.1.
Variant type: single nucleotide variant.
Coding change: c.4760T>C on transcript NM_000384.3 (MANE Select); coding-DNA position 4760, T replaced by C.
Protein change: p.Met1587Thr; replaces methionine 1587 with threonine.
Molecular consequence: missense variant.
Genome position (GRCh38, 1-based): chr2:21,012,108, A>G on the plus strand (T>C on the coding strand, the complement: APOB is on the minus strand). VCF-style: chr2-21012108-A-G. GRCh37 (hg19) VCF-style: chr2-21234980-A-G.
Other names: short protein forms M1587T.
Identifiers: ClinVar variation 1742903 (VCV001742903.2), dbSNP rs1396788625, ClinGen allele CA346006187.